The following is an entry in ClinVar:

ClinVar aggregate classification (germline): Uncertain significance (1 of 4 stars; one submission).

Conditions:
Glycogen storage disease type III (GSD3). Also called: Cori disease; FORBES DISEASE. Identifiers: Orphanet 366, MedGen C0017922, MONDO:0009291, OMIM 232400.

Submission:

Labcorp Genetics (formerly Invitae), Labcorp
Classification: Uncertain significance for Glycogen storage disease type III. Last evaluated: 2017-10-05. Review status: criteria provided, single submitter. Criteria: Invitae Variant Classification Sherloc (09022015). Collection method: clinical testing. Allele origin: germline.
Comment: This sequence change replaces proline with arginine at codon 631 of the AGL protein (p.Pro631Arg). The proline residue is highly conserved and there is a moderate physicochemical difference between proline and arginine. This variant is not present in population databases (ExAC no frequency). This variant has not been reported in the literature in individuals with AGL-related disease. Algorithms developed to predict the effect of missense changes on protein structure and function do not agree on the potential impact of this missense change (SIFT: "Deleterious"; PolyPhen-2: "Possibly Damaging"; Align-GVGD: "Class C0"). In summary, the available evidence is currently insufficient to determine the role of this variant in disease. Therefore, it has been classified as a Variant of Uncertain Significance.

NM_000642.3(AGL):c.1892C>G (p.Pro631Arg)

Gene: AGL (amylo-alpha-1,6-glucosidase and 4-alpha-glucanotransferase; plus strand). Cytogenetic location: 1p21.2.
Variant type: single nucleotide variant.
Coding change: c.1892C>G on transcript NM_000642.3 (MANE Select); coding-DNA position 1892, C replaced by G.
Protein change: p.Pro631Arg; replaces proline 631 with arginine.
Molecular consequence: missense variant.
Genome position (GRCh38, 1-based): chr1:99,880,788, C>G. VCF-style: chr1-99880788-C-G. GRCh37 (hg19) VCF-style: chr1-100346344-C-G.
Other names: c.1892C>G, p.Pro631Arg (NM_000028.3, NM_000643.3, NM_000644.3 and 2 more transcripts); c.1844C>G, p.Pro615Arg (NM_000646.3); c.1691C>G, p.Pro564Arg (NM_001425327.1); c.1688C>G, p.Pro563Arg (NM_001425328.1, NM_001425329.1); c.1514C>G, p.Pro505Arg (NM_001425332.1); short protein forms P631R, P615R, P505R, P563R, P564R.
Identifiers: ClinVar variation 526595 (VCV000526595.9), dbSNP rs1553186376, ClinGen allele CA341317147.